The following is an entry in ClinVar:

NM_000321.3(RB1):c.1677A>T (p.Glu559Asp)

Gene: RB1 (RB transcriptional corepressor 1; plus strand). Cytogenetic location: 13q14.2.
Variant type: single nucleotide variant.
Coding change: c.1677A>T on transcript NM_000321.3 (MANE Select); coding-DNA position 1677, A replaced by T.
Protein change: p.Glu559Asp; replaces glutamic acid 559 with aspartic acid.
Molecular consequence: missense variant.
Genome position (GRCh38, 1-based): chr13:48,381,425, A>T. VCF-style: chr13-48381425-A-T. GRCh37 (hg19) VCF-style: chr13-48955561-A-T.
Other names: short protein forms E559D.
Identifiers: ClinVar variation 135117 (VCV000135117.1), dbSNP rs587778639, ClinGen allele CA026387.
Genomic context (GRCh38, chr13:48,381,425, plus strand): 5'-AGGCAACTTGACAAGAGAAATGATAAAACATTTAGAACGATGTGAACATCGAATCATGGA[A>T]TCCCTTGCATGGCTCTCAGTAAGTAGCTAAATAATTGAAGAAATTCATTCATGTGCATAT-3'
Protein context (NP_000312.2, residues 549-569): HLERCEHRIM[Glu559Asp]SLAWLSDSPL

ClinVar aggregate classification (germline): not provided (0 of 4 stars; one submission).

Submission:

ITMI
No classification provided. Condition: AllHighlyPenetrant. Last evaluated: 2013-09-19. Review status: no classification provided. Collection method: reference population. Allele origin: germline.
Comment: Please see associated publication for description of ethnicities

Literature cited by the submitters: PubMed 24728327.